The following is an entry in ClinVar:

ClinVar aggregate classification (germline): Uncertain significance (1 of 4 stars; one submission).

Submission:

Labcorp Genetics (formerly Invitae), Labcorp
Classification: Uncertain significance. Last evaluated: 2023-08-04. Review status: criteria provided, single submitter. Criteria: Invitae Variant Classification Sherloc (09022015). Collection method: clinical testing. Allele origin: germline.
Comment: This variant, c.1351_1353del, results in the deletion of 1 amino acid(s) of the IMPDH1 protein (p.Gly451del), but otherwise preserves the integrity of the reading frame. This variant is not present in population databases (gnomAD no frequency). This variant has not been reported in the literature in individuals affected with IMPDH1-related conditions. Experimental studies and prediction algorithms are not available or were not evaluated, and the functional significance of this variant is currently unknown. In summary, the available evidence is currently insufficient to determine the role of this variant in disease. Therefore, it has been classified as a Variant of Uncertain Significance.

NM_000883.4(IMPDH1):c.1348GGC[1] (p.Gly451del)

Gene: IMPDH1 (inosine monophosphate dehydrogenase 1; minus strand). Cytogenetic location: 7q32.1.
Variant type: Microsatellite.
Coding change: c.1348GGC[1] on transcript NM_000883.4 (MANE Select); one copy of the 3-base unit GGC starting at c.1348; the reference has two copies in a row; one copy, 3 bases deleted.
Protein change: p.Gly451del; deletes glycine 451.
Molecular consequence: inframe deletion.
Genome position (GRCh38, 1-based): chr7:128,395,183-128,395,185, GCC deleted on the plus strand (GGC on the coding strand, the reverse complement: IMPDH1 is on the minus strand); deleting any 3 consecutive bases within chr7:128,395,183-128,395,188 gives the same sequence; the position shown is the placement nearest the transcript's 3' end. VCF-style (leftmost placement, unchanged base first): chr7-128395182-TGCC-T. GRCh37 (hg19) VCF-style: chr7-128035236-TGCC-T.
Other names: c.1318GGC[1], p.Gly441del (NM_001102605.2); c.1093GGC[1], p.Gly366del (NM_001142573.2); c.1078GGC[1], p.Gly361del (NM_001142574.2); c.1018GGC[1], p.Gly341del (NM_001142575.2); c.1249GGC[1], p.Gly418del (NM_001142576.2); c.1141GGC[1], p.Gly382del (NM_001304521.2); c.1240GGC[1], p.Gly415del (NM_183243.3); short protein forms G382del, G415del, G441del, G361del, G418del, G451del, G341del, G366del.
Identifiers: ClinVar variation 2881373 (VCV002881373.3), dbSNP rs2535731393, ClinGen allele CA2739278927.